The following is an entry in ClinVar:

ClinVar aggregate classification (germline): Likely benign. Review status: criteria provided, multiple submitters, no conflicts (2 of 4 stars). 5 submissions from 5 submitters: Likely benign (4). 1 of the submissions does not count toward it. Last evaluated 2025-03-16.

Conditions:
Cardiovascular phenotype. Identifiers: MedGen CN230736.
Cutis laxa, autosomal recessive, type 1B (ARCL1B). Also called: EFEMP2-Related Cutis Laxa; CUTIS LAXA, AUTOSOMAL RECESSIVE, TYPE IB. Identifiers: Orphanet 90349, MedGen C3280798, MONDO:0013754, OMIM 614437. Disease mechanism: loss of function.
EFEMP2-related disorder. Also called: EFEMP2-related condition.

Allele frequency attached by ClinVar (database versions not stated): ExAC 0.00001; gnomAD exomes 0.00001 and 0.00007; gnomAD 0.00003 and 0.00004; TOPMed 0.00003.
gnomAD v4.1: 115 of 1,613,862 alleles (0.0071%); highest among the groups gnomAD compares: Non-Finnish European, 0.0086%; no homozygotes.

Submissions (5):

Labcorp Genetics (formerly Invitae), Labcorp
Classification: Likely benign for Cutis laxa, autosomal recessive, type 1B. Last evaluated: 2025-03-16. Review status: criteria provided, single submitter. Criteria: Invitae Variant Classification Sherloc (09022015). Collection method: clinical testing. Allele origin: germline.

Women's Health and Genetics/Laboratory Corporation of America, LabCorp
Classification: Likely benign. Last evaluated: 2024-01-22. Review status: criteria provided, single submitter. Criteria: LabCorp Variant Classification Summary - May 2015. Collection method: clinical testing. Allele origin: germline.

Ambry Genetics
Classification: Likely benign for Cardiovascular phenotype. Last evaluated: 2019-12-23. Review status: criteria provided, single submitter. Criteria: Ambry Variant Classification Scheme 2023. Collection method: clinical testing. Allele origin: germline.

GeneDx
Classification: Likely benign. Last evaluated: 2018-05-24. Review status: criteria provided, single submitter. Criteria: GeneDx Variant Classification (06012015). Collection method: clinical testing. Allele origin: germline. Affected: yes.
Comment: This variant is considered likely benign or benign based on one or more of the following criteria: it is a conservative change, it occurs at a poorly conserved position in the protein, it is predicted to be benign by multiple in silico algorithms, and/or has population frequency not consistent with disease.

PreventionGenetics, part of Exact Sciences
Classification: Likely benign for EFEMP2-related condition. Last evaluated: 2022-12-30. Review status: no assertion criteria provided. Collection method: clinical testing. Allele origin: germline. Not counted in ClinVar's aggregate classification.
Comment: This variant is classified as likely benign based on ACMG/AMP sequence variant interpretation guidelines (Richards et al. 2015 PMID: 25741868, with internal and published modifications).

NM_016938.5(EFEMP2):c.273A>G (p.Leu91=)

Gene: EFEMP2 (EGF-like fibulin extracellular matrix protein 2; minus strand). Cytogenetic location: 11q13.1.
Variant type: single nucleotide variant.
Coding change: c.273A>G on transcript NM_016938.5 (MANE Select); coding-DNA position 273, A replaced by G.
Protein change: p.Leu91=; no amino-acid change (leucine 91 retained).
Molecular consequence: synonymous variant. On other transcripts: non-coding transcript variant (1).
Genome position (GRCh38, 1-based): chr11:65,871,251, T>C on the plus strand (A>G on the coding strand, the complement: EFEMP2 is on the minus strand). VCF-style: chr11-65871251-T-C. GRCh37 (hg19) VCF-style: chr11-65638722-T-C.
Identifiers: ClinVar variation 668618 (VCV000668618.16), dbSNP rs770791862, ClinGen allele CA6110732.